The following is an entry in ClinVar:

NM_006514.4(SCN10A):c.3214C>T (p.Gln1072Ter)

Genes: SCN10A (sodium voltage-gated channel alpha subunit 10; minus strand), LOC110121288 (VISTA enhancer hs2268; plus strand). Cytogenetic location: 3p22.2.
Variant type: single nucleotide variant.
Coding change: c.3214C>T on transcript NM_006514.4 (MANE Select); coding-DNA position 3214, C replaced by T.
Protein change: p.Gln1072Ter; replaces glutamine 1072 with a stop codon.
Molecular consequence: nonsense.
Genome position (GRCh38, 1-based): chr3:38,725,188, G>A on the plus strand (C>T on the coding strand, the complement: SCN10A is on the minus strand). VCF-style: chr3-38725188-G-A. GRCh37 (hg19) VCF-style: chr3-38766679-G-A.
Other names: c.3211C>T, p.Gln1071Ter (NM_001293306.2); c.2920C>T, p.Gln974Ter (NM_001293307.2); c.3214C>T (NM_006514.2); short protein forms Q1071*, Q1072*, Q974*.
Identifiers: ClinVar variation 1062762 (VCV001062762.4), dbSNP rs1458693100, ClinGen allele CA352156603.

ClinVar aggregate classification (germline): Conflicting classifications of pathogenicity. Review status: criteria provided, conflicting classifications (1 of 4 stars). 2 submissions from 2 submitters: Uncertain significance (1); Likely benign (1). Last evaluated 2023-01-26.

Conditions:
Brugada syndrome. Also called: Sudden Unexplained Death Syndrome; Sudden Unexplained Nocturnal Death Syndrome (SUNDS); Sudden unexpected nocturnal death syndrome; Sudden unexplained nocturnal death syndrome. Identifiers: Orphanet 130, MedGen C1142166, MONDO:0015263.
Cardiovascular phenotype. Identifiers: MedGen CN230736.

Allele frequency attached by ClinVar (database versions not stated): gnomAD 0.00001; gnomAD exomes 0.00001 and 0.00002; TOPMed 0.00004.
gnomAD v4.1: 7 of 1,600,612 alleles (0.00044%); highest among the groups gnomAD compares: Admixed American, 0.012%; no homozygotes.

Submissions (2):

Ambry Genetics
Classification: Likely benign for Cardiovascular phenotype. Last evaluated: 2023-01-26. Review status: criteria provided, single submitter. Criteria: Ambry Variant Classification Scheme 2023. Collection method: clinical testing. Allele origin: germline.

Labcorp Genetics (formerly Invitae), Labcorp
Classification: Uncertain significance for Brugada syndrome. Last evaluated: 2022-03-23. Review status: criteria provided, single submitter. Criteria: Invitae Variant Classification Sherloc (09022015). Collection method: clinical testing. Allele origin: germline.
Comment: This sequence change creates a premature translational stop signal (p.Gln1072*) in the SCN10A gene. It is expected to result in an absent or disrupted protein product. However, the current clinical and genetic evidence is not sufficient to establish whether loss-of-function variants in SCN10A cause disease. This variant is present in population databases (no rsID available, gnomAD 0.01%). This variant has not been reported in the literature in individuals affected with SCN10A-related conditions. ClinVar contains an entry for this variant (Variation ID: 1062762). Algorithms developed to predict the effect of sequence changes on RNA splicing suggest that this variant may disrupt the consensus splice site. In summary, the available evidence is currently insufficient to determine the role of this variant in disease. Therefore, it has been classified as a Variant of Uncertain Significance.